The following is an entry in ClinVar:

NM_022167.4(XYLT2):c.2038C>T (p.Arg680Trp)

Gene: XYLT2 (xylosyltransferase 2; plus strand). Cytogenetic location: 17q21.33.
Variant type: single nucleotide variant.
Coding change: c.2038C>T on transcript NM_022167.4 (MANE Select); coding-DNA position 2038, C replaced by T.
Protein change: p.Arg680Trp; replaces arginine 680 with tryptophan.
Molecular consequence: missense variant.
Genome position (GRCh38, 1-based): chr17:50,358,303, C>T. VCF-style: chr17-50358303-C-T. GRCh37 (hg19) VCF-style: chr17-48435664-C-T.
Other names: short protein forms R680W.
Identifiers: ClinVar variation 1386204 (VCV001386204.7), dbSNP rs779155720, ClinGen allele CA8646646.

ClinVar aggregate classification (germline): Uncertain significance (1 of 4 stars; one submission).

Allele frequency attached by ClinVar (database versions not stated): gnomAD 0.00001; gnomAD exomes 0.00001; TOPMed 0.00001; ExAC 0.00001.
gnomAD v4.1: 19 of 1,613,706 alleles (0.0012%); highest among the groups gnomAD compares: Middle Eastern, 0.016%; no homozygotes.

Submission:

Labcorp Genetics (formerly Invitae), Labcorp
Classification: Uncertain significance. Last evaluated: 2022-11-01. Review status: criteria provided, single submitter. Criteria: Invitae Variant Classification Sherloc (09022015). Collection method: clinical testing. Allele origin: germline.
Comment: This sequence change replaces arginine, which is basic and polar, with tryptophan, which is neutral and slightly polar, at codon 680 of the XYLT2 protein (p.Arg680Trp). In summary, the available evidence is currently insufficient to determine the role of this variant in disease. Therefore, it has been classified as a Variant of Uncertain Significance. Advanced modeling of protein sequence and biophysical properties (such as structural, functional, and spatial information, amino acid conservation, physicochemical variation, residue mobility, and thermodynamic stability) has been performed at Invitae for this missense variant, however the output from this modeling did not meet the statistical confidence thresholds required to predict the impact of this variant on XYLT2 protein function. ClinVar contains an entry for this variant (Variation ID: 1386204). This variant has not been reported in the literature in individuals affected with XYLT2-related conditions. This variant is present in population databases (rs779155720, gnomAD 0.007%).